The following is an entry in ClinVar:

ClinVar aggregate classification (germline): Uncertain significance. Review status: criteria provided, multiple submitters, no conflicts (2 of 4 stars). 2 submissions from 2 submitters: Uncertain significance (2). Last evaluated 2026-04-21.

Conditions:
Hereditary cancer-predisposing syndrome. Also called: Tumor predisposition; Hereditary Cancer Syndrome; Neoplastic Syndromes, Hereditary; Hereditary neoplastic syndrome. Identifiers: Orphanet 140162, MedGen C0027672, MeSH D009386, MONDO:0015356.
Tuberous sclerosis 2 (TSC2). Identifiers: Orphanet 805, MedGen C1860707, MONDO:0013199, OMIM 613254.

Allele frequency attached by ClinVar (database versions not stated): TOPMed 0.00001.
gnomAD v4.1: 2 of 1,551,470 alleles (0.00013%); highest among the groups gnomAD compares: Non-Finnish European, 0.00017%; no homozygotes.

Submissions (2):

Ambry Genetics
Classification: Uncertain significance for Hereditary cancer-predisposing syndrome. Last evaluated: 2026-04-21. Review status: criteria provided, single submitter. Criteria: Ambry Variant Classification Scheme 2023. Collection method: clinical testing. Allele origin: germline.
Comment: The p.V468M variant (also known as c.1402G>A), located in coding exon 13 of the TSC2 gene, results from a G to A substitution at nucleotide position 1402. The valine at codon 468 is replaced by methionine, an amino acid with highly similar properties. This variant was detected as heterozygous in individuals with no reported features of tuberous sclerosis complex (Ambry internal data). This amino acid position is not well conserved in available vertebrate species. In addition, the in silico prediction for this alteration is inconclusive. Based on the available evidence, the clinical significance of this variant remains unclear.

Labcorp Genetics (formerly Invitae), Labcorp
Classification: Uncertain significance for Tuberous sclerosis 2. Last evaluated: 2025-10-09. Review status: criteria provided, single submitter. Criteria: Invitae Variant Classification Sherloc (09022015). Collection method: clinical testing. Allele origin: germline.
Comment: This sequence change replaces valine, which is neutral and non-polar, with methionine, which is neutral and non-polar, at codon 468 of the TSC2 protein (p.Val468Met). This variant is not present in population databases (gnomAD no frequency). This missense change has been observed in individual(s) with clinical features of TSC2-related conditions (PMID: 21520333). ClinVar contains an entry for this variant (Variation ID: 655172). Invitae Evidence Modeling of protein sequence and biophysical properties (such as structural, functional, and spatial information, amino acid conservation, physicochemical variation, residue mobility, and thermodynamic stability) indicates that this missense variant is not expected to disrupt TSC2 protein function with a negative predictive value of 95%. In summary, the available evidence is currently insufficient to determine the role of this variant in disease. Therefore, it has been classified as a Variant of Uncertain Significance.

Literature cited by the submitters: PubMed 21520333 (cited by Labcorp Genetics (formerly Invitae), Labcorp).

NM_000548.5(TSC2):c.1402G>A (p.Val468Met)

Gene: TSC2 (TSC complex subunit 2; plus strand). Cytogenetic location: 16p13.3.
Variant type: single nucleotide variant.
Coding change: c.1402G>A on transcript NM_000548.5 (MANE Select); coding-DNA position 1402, G replaced by A.
Protein change: p.Val468Met; replaces valine 468 with methionine.
Molecular consequence: missense variant.
Genome position (GRCh38, 1-based): chr16:2,063,012, G>A. VCF-style: chr16-2063012-G-A. GRCh37 (hg19) VCF-style: chr16-2113013-G-A.
Other names: c.1402G>A, p.Val468Met (NM_001077183.3, NM_001114382.3, NM_001363528.2 and 3 more transcripts); c.1291G>A, p.Val431Met (NM_001318827.2); c.1255G>A, p.Val419Met (NM_001318829.2); c.802G>A, p.Val268Met (NM_001318831.2); c.1435G>A, p.Val479Met (NM_001318832.2); short protein forms V419M, V268M, V468M, V479M, V431M.
Identifiers: ClinVar variation 655172 (VCV000655172.13), dbSNP rs1158055650, ClinGen allele CA394323855.